The following is an entry in ClinVar:

NM_058163.3(TSR2):c.12T>C (p.Ala4=)

Gene: TSR2 (TSR2 ribosome maturation factor; plus strand). Cytogenetic location: Xp11.22.
Variant type: single nucleotide variant.
Coding change: c.12T>C on transcript NM_058163.3 (MANE Select); coding-DNA position 12, T replaced by C.
Protein change: p.Ala4=; no amino-acid change (alanine 4 retained).
Molecular consequence: synonymous variant. On other transcripts: 5 prime UTR variant (3).
Genome position (GRCh38, 1-based): chrX:54,440,433, T>C. VCF-style: chrX-54440433-T-C. GRCh37 (hg19) VCF-style: chrX-54466866-T-C.
Other names: c.12T>C (NM_058163.2); c.12T>C, p.Ala4= (NM_001346789.2); c.-376T>C (NM_001346790.2); c.-385T>C (NM_001346791.2); c.-183T>C (NM_001346792.2).
Identifiers: ClinVar variation 2076580 (VCV002076580.7), dbSNP rs750620605, ClinGen allele CA10424762.

ClinVar aggregate classification (germline): Likely benign. Review status: criteria provided, multiple submitters, no conflicts (2 of 4 stars). 3 submissions from 3 submitters: Likely benign (2). 1 of the submissions does not count toward it. Last evaluated 2025-05-30.

Conditions:
TSR2-related disorder. Also called: TSR2-related condition.

Allele frequency attached by ClinVar (database versions not stated): ExAC 0.00007; gnomAD 0.00011; TOPMed 0.00014.
gnomAD v4.1: 127 of 1,121,913 alleles (0.011%); highest among the groups gnomAD compares: Admixed American, 0.016%; no homozygotes.

Submissions (3):

Labcorp Genetics (formerly Invitae), Labcorp
Classification: Likely benign. Last evaluated: 2025-05-30. Review status: criteria provided, single submitter. Criteria: Invitae Variant Classification Sherloc (09022015). Collection method: clinical testing. Allele origin: germline.

Blueprint Genetics
Classification: Likely benign. Last evaluated: 2024-09-11. Review status: criteria provided, single submitter. Criteria: ACMG Guidelines, 2015. Collection method: clinical testing. Allele origin: germline.

PreventionGenetics, part of Exact Sciences
Classification: Likely benign for TSR2-related condition. Last evaluated: 2024-07-06. Review status: no assertion criteria provided. Collection method: clinical testing. Allele origin: germline. Not counted in ClinVar's aggregate classification.
Comment: This variant is classified as likely benign based on ACMG/AMP sequence variant interpretation guidelines (Richards et al. 2015 PMID: 25741868, with internal and published modifications).